The following is an entry in ClinVar:

ClinVar aggregate classification (germline): Uncertain significance (1 of 4 stars; one submission).

Submission:

Labcorp Genetics (formerly Invitae), Labcorp
Classification: Uncertain significance. Last evaluated: 2022-06-22. Review status: criteria provided, single submitter. Criteria: Invitae Variant Classification Sherloc (09022015). Collection method: clinical testing. Allele origin: germline.
Comment: In summary, the available evidence is currently insufficient to determine the role of this variant in disease. Therefore, it has been classified as a Variant of Uncertain Significance. Algorithms developed to predict the effect of missense changes on protein structure and function are either unavailable or do not agree on the potential impact of this missense change (SIFT: "Deleterious"; PolyPhen-2: "Benign"; Align-GVGD: "Class C55"). This variant has not been reported in the literature in individuals affected with TUBB3-related conditions. This variant is not present in population databases (gnomAD no frequency). This sequence change replaces tyrosine, which is neutral and polar, with cysteine, which is neutral and slightly polar, at codon 36 of the TUBB3 protein (p.Tyr36Cys).

NM_006086.4(TUBB3):c.107A>G (p.Tyr36Cys)

Gene: TUBB3 (tubulin beta 3 class III; plus strand). Cytogenetic location: 16q24.3.
Variant type: single nucleotide variant.
Coding change: c.107A>G on transcript NM_006086.4 (MANE Select); coding-DNA position 107, A replaced by G.
Protein change: p.Tyr36Cys; replaces tyrosine 36 with cysteine.
Molecular consequence: missense variant. On other transcripts: 5 prime UTR variant (1).
Genome position (GRCh38, 1-based): chr16:89,932,620, A>G. VCF-style: chr16-89932620-A-G. GRCh37 (hg19) VCF-style: chr16-89999028-A-G.
Other names: c.-110A>G (NM_001197181.2); short protein forms Y36C.
Identifiers: ClinVar variation 2097361 (VCV002097361.4), dbSNP rs2151091993, ClinGen allele CA397470920.
Genomic context (GRCh38, chr16:89,932,620, plus strand): 5'-TTTGTTTGCAGTTCTGGGAAGTCATCAGTGATGAGCATGGCATCGACCCCAGCGGCAACT[A>G]CGTGGGCGACTCGGACTTGCAGCTGGAGCGGATCAGCGTCTACTACAACGAGGCCTCTTG-3'
Protein context (NP_006077.2, residues 26-46): DEHGIDPSGN[Tyr36Cys]VGDSDLQLER